The following is an entry in ClinVar:

NM_001999.4(FBN2):c.827-2A>G

Gene: FBN2 (fibrillin 2; minus strand). Cytogenetic location: 5q23.3.
Variant type: single nucleotide variant.
Coding change: c.827-2A>G on transcript NM_001999.4 (MANE Select); the canonical splice acceptor site of the intron before coding-DNA position 827, A replaced by G.
Molecular consequence: splice acceptor variant.
Genome position (GRCh38, 1-based): chr5:128,446,608, T>C on the plus strand (A>G on the coding strand, the complement: FBN2 is on the minus strand). VCF-style: chr5-128446608-T-C. GRCh37 (hg19) VCF-style: chr5-127782301-T-C.
Identifiers: ClinVar variation 561010 (VCV000561010.2), dbSNP rs1561461125, ClinGen allele CA360752167.

ClinVar aggregate classification (germline): Pathogenic (1 of 4 stars; one submission).

Conditions:
Congenital contractural arachnodactyly (CCA). Also called: BEALS SYNDROME; Arthrogryposis, distal, type 9; Beals-Hecht syndrome. Identifiers: Orphanet 115, MedGen C0220668, MONDO:0007363, OMIM 121050.

Allele frequency attached by ClinVar (database versions not stated): gnomAD exomes below 0.00001; TOPMed below 0.00001.
gnomAD v4.1: 3 of 1,613,408 alleles (0.00019%); highest among the groups gnomAD compares: East Asian, 0.0022%; no homozygotes.

Submission:

Baylor Genetics
Classification: Pathogenic for Congenital contractural arachnodactyly. Last evaluated: 2017-09-01. Review status: criteria provided, single submitter. Criteria: ACMG Guidelines, 2015. Collection method: clinical testing. Allele origin: maternal. Inheritance: Autosomal dominant inheritance. Affected: yes.
Comment: This splicesite mutation is categorized as deleterious according to ACMG guidelines (PMID:18414213).

Literature cited by the submitters: PubMed 25326635.